The following is an entry in ClinVar:

NM_001608.4(ACADL):c.234-4G>A

Gene: ACADL (acyl-CoA dehydrogenase long chain; minus strand). Cytogenetic location: 2q34.
Variant type: single nucleotide variant.
Coding change: c.234-4G>A on transcript NM_001608.4 (MANE Select); 4 bases into the intron before coding-DNA position 234, G replaced by A.
Molecular consequence: intron variant.
Genome position (GRCh38, 1-based): chr2:210,218,106, C>T on the plus strand (G>A on the coding strand, the complement: ACADL is on the minus strand). VCF-style: chr2-210218106-C-T. GRCh37 (hg19) VCF-style: chr2-211082830-C-T.
Identifiers: ClinVar variation 3030800 (VCV003030800.2), dbSNP rs375633890, ClinGen allele CA2085076.

ClinVar aggregate classification (germline): Likely benign (0 of 4 stars; one submission).

Conditions:
ACADL-related disorder. Also called: ACADL-related condition.

Allele frequency attached by ClinVar (database versions not stated): ExAC 0.00001; gnomAD 0.00005; TOPMed 0.00006; ESP Exome Variant Server 0.00008; 1000 Genomes Project 0.00020; 1000 Genomes Project 30x 0.00047.
gnomAD v4.1: 25 of 1,612,224 alleles (0.0016%); highest among the groups gnomAD compares: African/African-American, 0.025%; no homozygotes.

Submission:

PreventionGenetics, part of Exact Sciences
Classification: Likely benign for ACADL-related condition. Last evaluated: 2021-02-10. Review status: no assertion criteria provided. Collection method: clinical testing. Allele origin: germline.
Comment: This variant is classified as likely benign based on ACMG/AMP sequence variant interpretation guidelines (Richards et al. 2015 PMID: 25741868, with internal and published modifications).